The following is an entry in ClinVar:

NM_001040108.2(MLH3):c.1825A>G (p.Ile609Val)

Gene: MLH3 (mutL homolog 3; minus strand). Cytogenetic location: 14q24.3.
Variant type: single nucleotide variant.
Coding change: c.1825A>G on transcript NM_001040108.2 (MANE Select); coding-DNA position 1825, A replaced by G.
Protein change: p.Ile609Val; replaces isoleucine 609 with valine.
Molecular consequence: missense variant.
Genome position (GRCh38, 1-based): chr14:75,047,831, T>C on the plus strand (A>G on the coding strand, the complement: MLH3 is on the minus strand). VCF-style: chr14-75047831-T-C. GRCh37 (hg19) VCF-style: chr14-75514534-T-C.
Other names: c.1825A>G, p.Ile609Val (NM_014381.3); short protein forms I609V.
Identifiers: ClinVar variation 934582 (VCV000934582.14), dbSNP rs61755654, ClinGen allele CA263652761.

ClinVar aggregate classification (germline): Uncertain significance. Review status: criteria provided, multiple submitters, no conflicts (2 of 4 stars). 2 submissions from 2 submitters: Uncertain significance (2). Last evaluated 2025-04-01.

Conditions:
Colorectal cancer, hereditary nonpolyposis, type 7. Identifiers: Orphanet 144, MedGen C1858380, MONDO:0013725, OMIM 614385.

Allele frequency attached by ClinVar (database versions not stated): TOPMed 0.00002.
gnomAD v4.1: 11 of 1,613,534 alleles (0.00068%); highest among the groups gnomAD compares: African/African-American, 0.0093%; no homozygotes.

Submissions (2):

Ambry Genetics
Classification: Uncertain significance. Last evaluated: 2025-04-01. Review status: criteria provided, single submitter. Criteria: Ambry Variant Classification Scheme 2023. Collection method: clinical testing. Allele origin: germline.

Labcorp Genetics (formerly Invitae), Labcorp
Classification: Uncertain significance for Colorectal cancer, hereditary nonpolyposis, type 7. Last evaluated: 2024-03-29. Review status: criteria provided, single submitter. Criteria: Invitae Variant Classification Sherloc (09022015). Collection method: clinical testing. Allele origin: germline.
Comment: This sequence change replaces isoleucine, which is neutral and non-polar, with valine, which is neutral and non-polar, at codon 609 of the MLH3 protein (p.Ile609Val). This variant is present in population databases (no rsID available, gnomAD 0.004%). This variant has not been reported in the literature in individuals affected with MLH3-related conditions. ClinVar contains an entry for this variant (Variation ID: 934582). Algorithms developed to predict the effect of missense changes on protein structure and function output the following: SIFT: "Not Available"; PolyPhen-2: "Possibly Damaging"; Align-GVGD: "Not Available". The valine amino acid residue is found in multiple mammalian species, which suggests that this missense change does not adversely affect protein function. In summary, the available evidence is currently insufficient to determine the role of this variant in disease. Therefore, it has been classified as a Variant of Uncertain Significance.